The following is an entry in ClinVar:

ClinVar aggregate classification (germline): Likely benign (1 of 4 stars; one submission).

Conditions:
MELAS syndrome (MELAS). Also called: Juvenile myopathy, encephalopathy, lactic acidosis, stroke. Identifiers: Orphanet 550, MedGen C0162671, MONDO:0010789, OMIM 540000.

Submission:

Wong Mito Lab, Molecular and Human Genetics, Baylor College of Medicine
Classification: Likely benign for MELAS syndrome. Last evaluated: 2019-07-12. Review status: criteria provided, single submitter. Criteria: Modified ACMG Guidelines (Unpublished). Collection method: clinical testing. Allele origin: germline.
Comment: The NC_012920.1:m.12160A>G variant in MT-TH gene is interpreted to be a Likely Benign variant based on the modified ACMG guidelines (unpublished). This variant meets the following evidence codes reported in the guidelines: BP4, BP6

Literature cited by the submitters: PubMed 31965079.

NC_012920.1(MT-TH):m.12160A>G

Gene: MT-TH (mitochondrially encoded tRNA histidine; plus strand).
Variant type: single nucleotide variant.
Genome position: chrM-12160-A-G.
Identifiers: ClinVar variation 690136 (VCV000690136.1), dbSNP rs1603223579, ClinGen allele CA913169538.